The following is an entry in ClinVar:

NM_001291303.3(FAT4):c.11755A>G (p.Asn3919Asp)

Gene: FAT4 (FAT atypical cadherin 4; plus strand). Cytogenetic location: 4q28.1.
Variant type: single nucleotide variant.
Coding change: c.11755A>G on transcript NM_001291303.3 (MANE Select); coding-DNA position 11755, A replaced by G.
Protein change: p.Asn3919Asp; replaces asparagine 3919 with aspartic acid.
Molecular consequence: missense variant.
Genome position (GRCh38, 1-based): chr4:125,452,765, A>G. VCF-style: chr4-125452765-A-G. GRCh37 (hg19) VCF-style: chr4-126373920-A-G.
Other names: c.11755A>G, p.Asn3919Asp (NM_001291285.3); c.11749A>G, p.Asn3917Asp (NM_024582.6); short protein forms N3919D, N3917D.
Identifiers: ClinVar variation 1485453 (VCV001485453.8), dbSNP rs762329383, ClinGen allele CA3073905.

ClinVar aggregate classification (germline): Uncertain significance (1 of 4 stars; one submission).

Allele frequency attached by ClinVar (database versions not stated): gnomAD exomes below 0.00001; ExAC 0.00001.
gnomAD v4.1: 3 of 1,613,804 alleles (0.00019%); highest among the groups gnomAD compares: Non-Finnish European, 0.00025%; no homozygotes.

Submission:

Labcorp Genetics (formerly Invitae), Labcorp
Classification: Uncertain significance. Last evaluated: 2024-08-30. Review status: criteria provided, single submitter. Criteria: Invitae Variant Classification Sherloc (09022015). Collection method: clinical testing. Allele origin: germline.
Comment: This sequence change replaces asparagine, which is neutral and polar, with aspartic acid, which is acidic and polar, at codon 3917 of the FAT4 protein (p.Asn3917Asp). This variant is present in population databases (rs762329383, gnomAD 0.0009%). This variant has not been reported in the literature in individuals affected with FAT4-related conditions. ClinVar contains an entry for this variant (Variation ID: 1485453). Invitae Evidence Modeling of protein sequence and biophysical properties (such as structural, functional, and spatial information, amino acid conservation, physicochemical variation, residue mobility, and thermodynamic stability) indicates that this missense variant is not expected to disrupt FAT4 protein function with a negative predictive value of 95%. In summary, the available evidence is currently insufficient to determine the role of this variant in disease. Therefore, it has been classified as a Variant of Uncertain Significance.